The following is an entry in ClinVar:

ClinVar aggregate classification (germline): Uncertain significance (1 of 4 stars; one submission).

Conditions:
Combined immunodeficiency due to CTPS1 deficiency. Also called: Immunodeficiency 24; Severe combined immunodeficiency due to CTPS1 deficiency. Identifiers: Orphanet 420573, MedGen C4014617, MONDO:0014391, OMIM 615897.

Submission:

Labcorp Genetics (formerly Invitae), Labcorp
Classification: Uncertain significance for Combined immunodeficiency due to CTPS1 deficiency. Last evaluated: 2024-05-22. Review status: criteria provided, single submitter. Criteria: Invitae Variant Classification Sherloc (09022015). Collection method: clinical testing. Allele origin: germline.
Comment: This sequence change affects codon 460 of the CTPS1 mRNA. It is a 'silent' change, meaning that it does not change the encoded amino acid sequence of the CTPS1 protein. This variant is not present in population databases (gnomAD no frequency). This variant has not been reported in the literature in individuals affected with CTPS1-related conditions. Algorithms developed to predict the effect of sequence changes on RNA splicing suggest that this variant may disrupt the consensus splice site. In summary, the available evidence is currently insufficient to determine the role of this variant in disease. Therefore, it has been classified as a Variant of Uncertain Significance.

NM_001905.4(CTPS1):c.1380G>A (p.Lys460=)

Genes: CTPS1 (CTP synthase 1; plus strand), LOC126805717 (MED14-independent group 3 enhancer GRCh37_chr1:41472557-41473756; plus strand). Cytogenetic location: 1p34.2.
Variant type: single nucleotide variant.
Coding change: c.1380G>A on transcript NM_001905.4 (MANE Select); coding-DNA position 1380, G replaced by A.
Protein change: p.Lys460=; no amino-acid change (lysine 460 retained).
Molecular consequence: synonymous variant. On other transcripts: non-coding transcript variant (1).
Genome position (GRCh38, 1-based): chr1:41,007,532, G>A. VCF-style: chr1-41007532-G-A. GRCh37 (hg19) VCF-style: chr1-41473204-G-A.
Other names: c.912G>A, p.Lys304= (NM_001301237.2).
Identifiers: ClinVar variation 3654180 (VCV003654180.2).
Genomic context (GRCh38, chr1:41,007,532, plus strand): 5'-CCCAGGGCAGATGGGCGGAACCATGAGGCTGGGCAAGAGGAGAACCCTGTTCCAGACCAA[G>A]AACTCAGTCATGAGTAAGAGCTGCCTCACGCTGGCCCAGCCTTTGGCTCTGCGTGCCCAG-3'
Protein context (NP_001896.2, residues 450-470): LGKRRTLFQT[Lys460=]NSVMRKLYGD